The following is an entry in ClinVar:

NM_001369268.1(ACAN):c.7109A>G (p.Tyr2370Cys)

Gene: ACAN (aggrecan; plus strand). Cytogenetic location: 15q26.1.
Variant type: single nucleotide variant.
Coding change: c.7109A>G on transcript NM_001369268.1 (MANE Select); coding-DNA position 7109, A replaced by G.
Protein change: p.Tyr2370Cys; replaces tyrosine 2370 with cysteine.
Molecular consequence: missense variant.
Genome position (GRCh38, 1-based): chr15:88,871,430, A>G. VCF-style: chr15-88871430-A-G. GRCh37 (hg19) VCF-style: chr15-89414661-A-G.
Other names: c.6881A>G, p.Tyr2294Cys (NM_001135.4, NM_001411096.1); c.6995A>G, p.Tyr2332Cys (NM_001411097.1, NM_013227.4); short protein forms Y2294C, Y2332C, Y2370C.
Identifiers: ClinVar variation 4729238 (VCV004729238.1).

ClinVar aggregate classification (germline): Uncertain significance (1 of 4 stars; one submission).

Submission:

Labcorp Genetics (formerly Invitae), Labcorp
Classification: Uncertain significance. Last evaluated: 2025-10-14. Review status: criteria provided, single submitter. Criteria: Invitae Variant Classification Sherloc (09022015). Collection method: clinical testing. Allele origin: germline.
Comment: This sequence change replaces tyrosine, which is neutral and polar, with cysteine, which is neutral and slightly polar, at codon 2332 of the ACAN protein (p.Tyr2332Cys). This variant is not present in population databases (gnomAD no frequency). This variant has not been reported in the literature in individuals affected with ACAN-related conditions. An algorithm developed to predict the effect of missense changes on protein structure and function (PolyPhen-2) suggests that this variant is likely to be disruptive. In summary, the available evidence is currently insufficient to determine the role of this variant in disease. Therefore, it has been classified as a Variant of Uncertain Significance.